The following is an entry in ClinVar:

ClinVar aggregate classification (germline): Uncertain significance (1 of 4 stars; one submission).

Conditions:
Cardiovascular phenotype. Identifiers: MedGen CN230736.

Submission:

Ambry Genetics
Classification: Uncertain significance for Cardiovascular phenotype. Last evaluated: 2025-07-07. Review status: criteria provided, single submitter. Criteria: Ambry Variant Classification Scheme 2023. Collection method: clinical testing. Allele origin: germline.
Comment: The p.H42Q variant (also known as c.126C>G), located in coding exon 1 of the CBL gene, results from a C to G substitution at nucleotide position 126. The histidine at codon 42 is replaced by glutamine, an amino acid with highly similar properties. This amino acid position is conserved. In addition, this alteration is predicted to be tolerated by in silico analysis. Based on the available evidence, the clinical significance of this variant remains unclear.

NM_005188.4(CBL):c.126C>G (p.His42Gln)

Genes: CBL (Cbl proto-oncogene; plus strand), LOC130006895 (ATAC-STARR-seq lymphoblastoid silent region 3975; plus strand). Cytogenetic location: 11q23.3.
Variant type: single nucleotide variant.
Coding change: c.126C>G on transcript NM_005188.4 (MANE Select); coding-DNA position 126, C replaced by G.
Protein change: p.His42Gln; replaces histidine 42 with glutamine.
Molecular consequence: missense variant.
Genome position (GRCh38, 1-based): chr11:119,206,543, C>G. VCF-style: chr11-119206543-C-G. GRCh37 (hg19) VCF-style: chr11-119077253-C-G.
Other names: short protein forms H42Q.
Identifiers: ClinVar variation 4219853 (VCV004219853.1).
Genomic context (GRCh38, chr11:119,206,543, plus strand): 5'-GGGTGGCCTGATTGGGCTCATGAAGGACGCCTTCCAGCCGCACCACCACCACCACCACCA[C>G]CTCAGCCCCCACCCGCCGGGGACGGTGGACAAGAAGATGGTGGAGAAGTGCTGGAAGCTC-3'
Protein context (NP_005179.2, residues 32-52): AFQPHHHHHH[His42Gln]LSPHPPGTVD